The following is an entry in ClinVar:

NM_000089.4(COL1A2):c.3754A>G (p.Thr1252Ala)

Gene: COL1A2 (collagen type I alpha 2 chain; plus strand). Cytogenetic location: 7q21.3.
Variant type: single nucleotide variant.
Coding change: c.3754A>G on transcript NM_000089.4 (MANE Select); coding-DNA position 3754, A replaced by G.
Protein change: p.Thr1252Ala; replaces threonine 1252 with alanine.
Molecular consequence: missense variant.
Genome position (GRCh38, 1-based): chr7:94,429,230, A>G. VCF-style: chr7-94429230-A-G. GRCh37 (hg19) VCF-style: chr7-94058542-A-G.
Other names: p.Thr1252Ala; short protein forms T1252A.
Identifiers: ClinVar variation 360972 (VCV000360972.16), dbSNP rs761465504, ClinGen allele CA4347849.

ClinVar aggregate classification (germline): Conflicting classifications of pathogenicity. Review status: criteria provided, conflicting classifications (1 of 4 stars). 7 submissions from 6 submitters: Uncertain significance (5); Benign (1); Likely benign (1). Last evaluated 2025-12-26.

Conditions:
Osteogenesis imperfecta (OI). Identifiers: Orphanet 666, MedGen C0029434, MeSH D010013, MONDO:0019019.
Osteogenesis imperfecta type I (OI1). Also called: Lobstein's Disease; Classic Non-deforming Osteogenesis Imperfecta with Blue Sclerae; Osteogenesis imperfecta type 1; Lobstein disease; OI, TYPE I; OSTEOGENESIS IMPERFECTA TARDA. Identifiers: Orphanet 216796, Orphanet 666, MedGen C0023931, MONDO:0008146, OMIM 166200. Disease mechanism: loss of function.
Ehlers-Danlos syndrome, classic type, 1 (EDSCL1). Also called: Ehlers-Danlos syndrome, type 1; EHLERS-DANLOS SYNDROME, GRAVIS TYPE; EHLERS-DANLOS SYNDROME, SEVERE CLASSIC TYPE; EDS I; Ehlers-Danlos Syndrome, Classic Type, COL5A1-Related. Identifiers: MedGen C0268335, MONDO:0019567, OMIM 130000.
Ehlers-Danlos syndrome, arthrochalasia type, 2. Also called: EHLERS-DANLOS SYNDROME, TYPE VIIB, AUTOSOMAL DOMINANT. Identifiers: MedGen CN293783, MONDO:0040501, OMIM 617821.
Cardiovascular phenotype. Identifiers: MedGen CN230736.

Allele frequency attached by ClinVar (database versions not stated): TOPMed 0.00002; gnomAD 0.00003; ExAC 0.00004.
gnomAD v4.1: 38 of 1,612,620 alleles (0.0024%); highest among the groups gnomAD compares: Middle Eastern, 0.049%; no homozygotes.

Submissions (7):

Labcorp Genetics (formerly Invitae), Labcorp
Classification: Uncertain significance for Osteogenesis imperfecta type I; Ehlers-Danlos syndrome, classic type, 1. Last evaluated: 2025-12-26. Review status: criteria provided, single submitter. Criteria: Invitae Variant Classification Sherloc (09022015). Collection method: clinical testing. Allele origin: germline.
Comment: This sequence change replaces threonine, which is neutral and polar, with alanine, which is neutral and non-polar, at codon 1252 of the COL1A2 protein (p.Thr1252Ala). This variant is present in population databases (rs761465504, gnomAD 0.01%). This variant has not been reported in the literature in individuals affected with COL1A2-related conditions. ClinVar contains an entry for this variant (Variation ID: 360972). Invitae Evidence Modeling of protein sequence and biophysical properties (such as structural, functional, and spatial information, amino acid conservation, physicochemical variation, residue mobility, and thermodynamic stability) has been performed for this missense variant. However, the output from this modeling did not meet the statistical confidence thresholds required to predict the impact of this variant on COL1A2 protein function. In summary, the available evidence is currently insufficient to determine the role of this variant in disease. Therefore, it has been classified as a Variant of Uncertain Significance.

Mayo Clinic Laboratories, Mayo Clinic
Classification: Uncertain significance. Last evaluated: 2025-10-16. Review status: criteria provided, single submitter. Criteria: ACMG Guidelines, 2015. Collection method: clinical testing. Allele origin: germline. Observed: 1 variant allele.
Comment: BS1

GeneDx
Classification: Uncertain significance. Last evaluated: 2025-05-11. Review status: criteria provided, single submitter. Criteria: GeneDx Variant Classification Process June 2021. Collection method: clinical testing. Allele origin: germline.
Comment: In silico analysis suggests that this missense variant does not alter protein structure/function; Not located in the triple helical region, where the majority of pathogenic missense variants occur (HGMD); Has not been previously published as pathogenic or benign to our knowledge

Ambry Genetics
Classification: Uncertain significance for Cardiovascular phenotype. Last evaluated: 2024-10-30. Review status: criteria provided, single submitter. Criteria: Ambry Variant Classification Scheme 2023. Collection method: clinical testing. Allele origin: germline.
Comment: The p.T1252A variant (also known as c.3754A>G), located in coding exon 51 of the COL1A2 gene, results from an A to G substitution at nucleotide position 3754. The threonine at codon 1252 is replaced by alanine, an amino acid with similar properties. This amino acid position is highly conserved in available vertebrate species. In addition, the in silico prediction for this alteration is inconclusive. Based on the available evidence, the clinical significance of this variant remains unclear.

Blueprint Genetics
Classification: Uncertain significance. Last evaluated: 2023-05-12. Review status: criteria provided, single submitter. Criteria: ACMG Guidelines, 2015. Collection method: clinical testing. Allele origin: germline.

Illumina Laboratory Services, Illumina
Classification: Likely benign for Osteogenesis imperfecta. Last evaluated: 2018-01-13. Review status: criteria provided, single submitter. Criteria: ICSL Variant Classification Criteria 13 December 2019. Collection method: clinical testing. Allele origin: germline.
Comment: This variant was observed in the ICSL laboratory as part of a predisposition screen in an ostensibly healthy population. It had not been previously curated by ICSL or reported in the Human Gene Mutation Database (HGMD: prior to June 1st, 2018), and was therefore a candidate for classification through an automated scoring system. Utilizing variant allele frequency, disease prevalence and penetrance estimates, and inheritance mode, an automated score was calculated to assess if this variant is too frequent to cause the disease. Based on the score and internal cut-off values, a variant classified as likely benign is not then subjected to further curation. The score for this variant resulted in a classification of likely benign for this disease.

Illumina Laboratory Services, Illumina
Classification: Benign for Ehlers-Danlos syndrome, arthrochalasia type, 2. Last evaluated: 2018-01-13. Review status: criteria provided, single submitter. Criteria: ICSL Variant Classification Criteria 13 December 2019. Collection method: clinical testing. Allele origin: germline.
Comment: This variant was observed in the ICSL laboratory as part of a predisposition screen in an ostensibly healthy population. It had not been previously curated by ICSL or reported in the Human Gene Mutation Database (HGMD: prior to June 1st, 2018), and was therefore a candidate for classification through an automated scoring system. Utilizing variant allele frequency, disease prevalence and penetrance estimates, and inheritance mode, an automated score was calculated to assess if this variant is too frequent to cause the disease. Based on the score and internal cut-off values, a variant classified as benign is not then subjected to further curation. The score for this variant resulted in a classification of benign for this disease.